The following is an entry in ClinVar:

ClinVar aggregate classification (germline): Likely benign. Review status: criteria provided, multiple submitters, no conflicts (2 of 4 stars). 3 submissions from 3 submitters: Likely benign (3). Last evaluated 2023-08-04.

Conditions:
Wilson disease (WND). Also called: Wilson's disease. Identifiers: Orphanet 905, MedGen C0019202, MONDO:0010200, OMIM 277900. Disease mechanism: loss of function.

Allele frequency attached by ClinVar (database versions not stated): gnomAD exomes 0.00001.
gnomAD v4.1: 14 of 1,614,232 alleles (0.00087%); highest among the groups gnomAD compares: Non-Finnish European, 0.0012%; no homozygotes.

Submissions (3):

Labcorp Genetics (formerly Invitae), Labcorp
Classification: Likely benign for Wilson disease. Last evaluated: 2023-08-04. Review status: criteria provided, single submitter. Criteria: Invitae Variant Classification Sherloc (09022015). Collection method: clinical testing. Allele origin: germline.

All of Us Research Program, National Institutes of Health
Classification: Likely benign for Wilson disease. Last evaluated: 2023-06-28. Review status: criteria provided, single submitter. Criteria: ACMG Guidelines, 2015. Collection method: clinical testing. Allele origin: germline. Inheritance: Autosomal recessive inheritance. Observed: 3 variant alleles, 3 heterozygotes.
Comment: This study involves interpretation of variants in research participants for the purpose of population health screening. Participant phenotype was not available at the time of variant classification. Additional details can be found in publication PMID: 35346344, PMCID: PMC8962531

Color Diagnostics, LLC DBA Color Health
Classification: Likely benign for Wilson disease. Last evaluated: 2022-06-24. Review status: criteria provided, single submitter. Criteria: ACMG Guidelines, 2015. Collection method: clinical testing. Allele origin: germline.

NM_000053.4(ATP7B):c.4297C>T (p.Leu1433=)

Gene: ATP7B (ATPase copper transporting beta; minus strand). Cytogenetic location: 13q14.3.
Variant type: single nucleotide variant.
Coding change: c.4297C>T on transcript NM_000053.4 (MANE Select); coding-DNA position 4297, C replaced by T.
Protein change: p.Leu1433=; no amino-acid change (leucine 1433 retained).
Molecular consequence: synonymous variant.
Genome position (GRCh38, 1-based): chr13:51,934,857, G>A on the plus strand (C>T on the coding strand, the complement: ATP7B is on the minus strand). VCF-style: chr13-51934857-G-A. GRCh37 (hg19) VCF-style: chr13-52508993-G-A.
Other names: c.3676C>T, p.Leu1226= (NM_001005918.3); c.3964C>T, p.Leu1322= (NM_001243182.2); c.4063C>T, p.Leu1355= (NM_001330578.2); c.4045C>T, p.Leu1349= (NM_001330579.2).
Identifiers: ClinVar variation 1104713 (VCV001104713.10), dbSNP rs1956862933, ClinGen allele CA484024132.